The following is an entry in ClinVar:

ClinVar aggregate classification (germline): Uncertain significance. Review status: criteria provided, multiple submitters, no conflicts (2 of 4 stars). 2 submissions from 2 submitters: Uncertain significance (2). Last evaluated 2025-08-13.

Conditions:
Bardet-Biedl syndrome (BBS). Identifiers: Orphanet 110, MedGen C0752166, MONDO:0015229.
Bardet-Biedl syndrome 9 (BBS9). Identifiers: Orphanet 110, MedGen C1859567, MONDO:0014437, OMIM 615986.

gnomAD v4.1: 6 of 1,609,640 alleles (0.00037%); highest among the groups gnomAD compares: East Asian, 0.0045%; no homozygotes.

Submissions (2):

Labcorp Genetics (formerly Invitae), Labcorp
Classification: Uncertain significance for Bardet-Biedl syndrome. Last evaluated: 2025-08-13. Review status: criteria provided, single submitter. Criteria: Invitae Variant Classification Sherloc (09022015). Collection method: clinical testing. Allele origin: germline.
Comment: This sequence change replaces threonine, which is neutral and polar, with alanine, which is neutral and non-polar, at codon 844 of the BBS9 protein (p.Thr844Ala). This variant is not present in population databases (gnomAD no frequency). This variant has not been reported in the literature in individuals affected with BBS9-related conditions. ClinVar contains an entry for this variant (Variation ID: 3594592). An algorithm developed to predict the effect of missense changes on protein structure and function outputs the following: PolyPhen-2: "Benign". The alanine amino acid residue is found in multiple mammalian species, which suggests that this missense change does not adversely affect protein function. In summary, the available evidence is currently insufficient to determine the role of this variant in disease. Therefore, it has been classified as a Variant of Uncertain Significance.

Fulgent Genetics
Classification: Uncertain significance for Bardet-Biedl syndrome 9. Last evaluated: 2024-06-17. Review status: criteria provided, single submitter. Criteria: ACMG Guidelines, 2015. Collection method: clinical testing. Allele origin: germline.

NM_198428.3(BBS9):c.2530A>G (p.Thr844Ala)

Gene: BBS9 (Bardet-Biedl syndrome 9; plus strand). Cytogenetic location: 7p14.3.
Variant type: single nucleotide variant.
Coding change: c.2530A>G on transcript NM_198428.3 (MANE Select); coding-DNA position 2530, A replaced by G.
Protein change: p.Thr844Ala; replaces threonine 844 with alanine.
Molecular consequence: missense variant. On other transcripts: non-coding transcript variant (3), intron variant (1).
Genome position (GRCh38, 1-based): chr7:33,604,873, A>G. VCF-style: chr7-33604873-A-G. GRCh37 (hg19) VCF-style: chr7-33644485-A-G.
Other names: c.2425A>G, p.Thr809Ala (NM_001033604.2); c.2515A>G, p.Thr839Ala (NM_001033605.2); c.2530A>G, p.Thr844Ala (NM_001348036.1, NM_001348041.4, NM_001348043.3); c.1981A>G, p.Thr661Ala (NM_001348037.3); c.2257A>G, p.Thr753Ala (NM_001348038.3); c.2152A>G, p.Thr718Ala (NM_001348039.3); c.2410A>G, p.Thr804Ala (NM_001348040.3, NM_014451.4); c.2395A>G, p.Thr799Ala (NM_001348042.3); and 3 more; short protein forms T661A, T718A, T809A, T687A, T799A, T844A, T722A, T753A.
Identifiers: ClinVar variation 3594592 (VCV003594592.2).